The following is an entry in ClinVar:

NM_177972.3(TUB):c.372G>T (p.Arg124Ser)

Genes: RIC3 (RIC3 acetylcholine receptor chaperone; minus strand), TUB (TUB bipartite transcription factor; plus strand). Cytogenetic location: 11p15.4.
Variant type: single nucleotide variant.
Coding change: c.372G>T on transcript NM_177972.3 (MANE Select); coding-DNA position 372, G replaced by T.
Protein change: p.Arg124Ser; replaces arginine 124 with serine.
Molecular consequence: missense variant.
Genome position (GRCh38, 1-based): chr11:8,094,164, G>T. VCF-style: chr11-8094164-G-T. GRCh37 (hg19) VCF-style: chr11-8115711-G-T.
Other names: c.390G>T, p.Arg130Ser (NM_001440538.1, NM_001440539.1, NM_001440540.1 and 1 more transcripts); c.372G>T, p.Arg124Ser (NM_001440541.1); c.537G>T, p.Arg179Ser (NM_003320.5); short protein forms R130S, R179S, R124S.
Identifiers: ClinVar variation 4722703 (VCV004722703.1).

ClinVar aggregate classification (germline): Uncertain significance (1 of 4 stars; one submission).

gnomAD v4.1: 1 of 1,613,628 alleles (0.000062%); highest among the groups gnomAD compares: Admixed American, 0.0017%; no homozygotes.

Submission:

Labcorp Genetics (formerly Invitae), Labcorp
Classification: Uncertain significance. Last evaluated: 2025-07-13. Review status: criteria provided, single submitter. Criteria: Invitae Variant Classification Sherloc (09022015). Collection method: clinical testing. Allele origin: germline.
Comment: This sequence change replaces arginine, which is basic and polar, with serine, which is neutral and polar, at codon 179 of the TUB protein (p.Arg179Ser). This variant is not present in population databases (gnomAD no frequency). This variant has not been reported in the literature in individuals affected with TUB-related conditions. An algorithm developed to predict the effect of missense changes on protein structure and function (PolyPhen-2) suggests that this variant is likely to be tolerated. In summary, the available evidence is currently insufficient to determine the role of this variant in disease. Therefore, it has been classified as a Variant of Uncertain Significance.